The following is an entry in ClinVar:

NM_001768.7(CD8A):c.515-6C>T

Gene: CD8A (CD8 subunit alpha; minus strand). Cytogenetic location: 2p11.2.
Variant type: single nucleotide variant.
Coding change: c.515-6C>T on transcript NM_001768.7 (MANE Select); 6 bases into the intron before coding-DNA position 515, C replaced by T.
Molecular consequence: intron variant.
Genome position (GRCh38, 1-based): chr2:86,789,439, G>A on the plus strand (C>T on the coding strand, the complement: CD8A is on the minus strand). VCF-style: chr2-86789439-G-A. GRCh37 (hg19) VCF-style: chr2-87016562-G-A.
Other names: c.515-6C>T (NM_001145873.1, NM_001382698.1); c.514+201C>T (NM_171827.4).
Identifiers: ClinVar variation 464449 (VCV000464449.16), dbSNP rs139743836, ClinGen allele CA1751157.

ClinVar aggregate classification (germline): Benign/Likely benign. Review status: criteria provided, multiple submitters, no conflicts (2 of 4 stars). 4 submissions from 4 submitters: Benign (1); Likely benign (2). 1 of the submissions does not count toward it. Last evaluated 2026-01-22.

Conditions:
CD8A-related disorder. Also called: CD8A-related condition.
Susceptibility to respiratory infections associated with CD8alpha chain mutation (IMD116). Also called: Cd8 deficiency, familial; IMMUNODEFICIENCY 116. Identifiers: Orphanet 169085, MedGen C1837065, MONDO:0012161, OMIM 608957.

Allele frequency attached by ClinVar (database versions not stated): ExAC 0.00054; 1000 Genomes Project 0.00120; 1000 Genomes Project 30x 0.00125; TOPMed 0.00166; gnomAD 0.00168; ESP Exome Variant Server 0.00169.
gnomAD v4.1: 447 of 1,600,680 alleles (0.028%); highest among the groups gnomAD compares: African/African-American, 0.53%; no homozygotes.

Submissions (4):

Women's Health and Genetics/Laboratory Corporation of America, LabCorp
Classification: Likely benign. Last evaluated: 2026-01-22. Review status: criteria provided, single submitter. Criteria: LabCorp Variant Classification Summary - May 2015. Collection method: clinical testing. Allele origin: germline.

Labcorp Genetics (formerly Invitae), Labcorp
Classification: Benign for Susceptibility to respiratory infections associated with CD8alpha chain mutation. Last evaluated: 2026-01-20. Review status: criteria provided, single submitter. Criteria: Invitae Variant Classification Sherloc (09022015). Collection method: clinical testing. Allele origin: germline.

Blueprint Genetics
Classification: Likely benign. Last evaluated: 2024-05-29. Review status: criteria provided, single submitter. Criteria: ACMG Guidelines, 2015. Collection method: clinical testing. Allele origin: germline.

PreventionGenetics, part of Exact Sciences
Classification: Likely benign for CD8A-related condition. Last evaluated: 2019-05-02. Review status: no assertion criteria provided. Collection method: clinical testing. Allele origin: germline. Not counted in ClinVar's aggregate classification.
Comment: This variant is classified as likely benign based on ACMG/AMP sequence variant interpretation guidelines (Richards et al. 2015 PMID: 25741868, with internal and published modifications).